The following is an entry in ClinVar:

ClinVar aggregate classification (germline): Conflicting classifications of pathogenicity. Review status: criteria provided, conflicting classifications (1 of 4 stars). 5 submissions from 4 submitters: Uncertain significance (2); Likely benign (2). 1 of the submissions does not count toward it. Last evaluated 2025-12-11.

Conditions:
TRIM32-related disorder. Also called: TRIM32-related condition.
Sarcotubular myopathy (LGMDR8). Also called: Autosomal recessive limb-girdle muscular dystrophy type 2H; Limb-girdle muscular dystrophy, type 2H; Hutterite type of muscular dystrophy; MUSCULAR DYSTROPHY, LIMB-GIRDLE, AUTOSOMAL RECESSIVE 8. Identifiers: Orphanet 1878, MedGen C0270968, MONDO:0009683, OMIM 254110.
Bardet-Biedl syndrome 11 (BBS11). Identifiers: Orphanet 110, MedGen C1859569, MONDO:0014439, OMIM 615988.
Bardet-Biedl syndrome (BBS). Identifiers: Orphanet 110, MedGen C0752166, MONDO:0015229.

Allele frequency attached by ClinVar (database versions not stated): TOPMed 0.00002.
gnomAD v4.1: 96 of 1,613,996 alleles (0.0059%); highest among the groups gnomAD compares: East Asian, 0.21%; no homozygotes.

Submissions (5):

Labcorp Genetics (formerly Invitae), Labcorp
Classification: Likely benign for Bardet-Biedl syndrome. Last evaluated: 2025-12-11. Review status: criteria provided, single submitter. Criteria: Invitae Variant Classification Sherloc (09022015). Collection method: clinical testing. Allele origin: germline.

Blueprint Genetics
Classification: Likely benign. Last evaluated: 2019-09-13. Review status: criteria provided, single submitter. Criteria: ACMG Guidelines, 2015. Collection method: clinical testing. Allele origin: germline.

Illumina Laboratory Services, Illumina
Classification: Uncertain significance for Bardet-Biedl syndrome 11. Last evaluated: 2018-01-13. Review status: criteria provided, single submitter. Criteria: ICSL Variant Classification Criteria 13 December 2019. Collection method: clinical testing. Allele origin: germline.

Illumina Laboratory Services, Illumina
Classification: Uncertain significance for Sarcotubular myopathy. Last evaluated: 2018-01-13. Review status: criteria provided, single submitter. Criteria: ICSL Variant Classification Criteria 13 December 2019. Collection method: clinical testing. Allele origin: germline.

PreventionGenetics, part of Exact Sciences
Classification: Likely benign for TRIM32-related condition. Last evaluated: 2021-08-09. Review status: no assertion criteria provided. Collection method: clinical testing. Allele origin: germline. Not counted in ClinVar's aggregate classification.
Comment: This variant is classified as likely benign based on ACMG/AMP sequence variant interpretation guidelines (Richards et al. 2015 PMID: 25741868, with internal and published modifications).

NM_012210.4(TRIM32):c.660G>C (p.Val220=)

Genes: ASTN2 (astrotactin 2; minus strand), TRIM32 (tripartite motif containing 32; plus strand). Cytogenetic location: 9q33.1.
Variant type: single nucleotide variant.
Coding change: c.660G>C on transcript NM_012210.4 (MANE Select); coding-DNA position 660, G replaced by C.
Protein change: p.Val220=; no amino-acid change (valine 220 retained).
Molecular consequence: synonymous variant. On other transcripts: intron variant (3).
Genome position (GRCh38, 1-based): chr9:116,698,402, G>C. VCF-style: chr9-116698402-G-C. GRCh37 (hg19) VCF-style: chr9-119460681-G-C.
Other names: c.2806+27369C>G (NM_001365068.1); c.660G>C, p.Val220= (NM_001099679.2, NM_001379048.1, NM_001379049.1 and 1 more transcripts); c.2653+27369C>G (NM_014010.5); c.2794+27369C>G (NM_001365069.1).
Identifiers: ClinVar variation 531842 (VCV000531842.15), dbSNP rs3747833, ClinGen allele CA5211019.